The following is an entry in ClinVar:

NM_001379659.1(ZNF142):c.4331G>A (p.Arg1444His)

Gene: ZNF142 (zinc finger protein 142; minus strand). Cytogenetic location: 2q35.
Variant type: single nucleotide variant.
Coding change: c.4331G>A on transcript NM_001379659.1 (MANE Select); coding-DNA position 4331, G replaced by A.
Protein change: p.Arg1444His; replaces arginine 1444 with histidine.
Molecular consequence: missense variant.
Genome position (GRCh38, 1-based): chr2:218,642,785, C>T on the plus strand (G>A on the coding strand, the complement: ZNF142 is on the minus strand). VCF-style: chr2-218642785-C-T. GRCh37 (hg19) VCF-style: chr2-219507508-C-T.
Other names: c.3731G>A, p.Arg1244His (NM_001366291.3, NM_001379662.1, NM_001105537.5); c.4331G>A, p.Arg1444His (NM_001379660.1, NM_001379661.1, NM_001366290.3); c.3242G>A, p.Arg1081His (NM_001366287.3, NM_001366288.3, NM_001366289.3); short protein forms R1081H, R1244H, R1444H.
Identifiers: ClinVar variation 1030150 (VCV001030150.3), dbSNP rs200398690, ClinGen allele CA2108801.

ClinVar aggregate classification (germline): Uncertain significance. Review status: criteria provided, multiple submitters, no conflicts (2 of 4 stars). 3 submissions from 3 submitters: Uncertain significance (3). Last evaluated 2024-03-28.

Conditions:
Neurodevelopmental disorder with impaired speech and hyperkinetic movements. Identifiers: MedGen C5193088, MONDO:0032741, OMIM 618425.
Inborn genetic diseases. Identifiers: MedGen C0950123, MeSH D030342.

Allele frequency attached by ClinVar (database versions not stated): gnomAD exomes 0.00016 and 0.00005; gnomAD 0.00012 and 0.00010; ESP Exome Variant Server 0.00024; ExAC 0.00004; TOPMed 0.00016.

Submissions (3):

Ambry Genetics
Classification: Uncertain significance for Inborn genetic diseases. Last evaluated: 2024-03-28. Review status: criteria provided, single submitter. Criteria: Ambry Variant Classification Scheme 2023. Collection method: clinical testing. Allele origin: germline.

Baylor Genetics
Classification: Uncertain significance for Neurodevelopmental disorder with impaired speech and hyperkinetic movements. Last evaluated: 2020-06-10. Review status: criteria provided, single submitter. Criteria: ACMG Guidelines, 2015. Collection method: clinical testing. Allele origin: unknown. Affected: yes.
Comment: This variant was determined to be of uncertain significance according to ACMG Guidelines, 2015 [PMID:25741868].

Breakthrough Genomics
Classification: Uncertain significance. Review status: criteria provided, single submitter. Criteria: ACMG Guidelines, 2015. Collection method: not provided. Allele origin: germline. Inheritance: Autosomal recessive inheritance. Affected: yes.